The following is an entry in ClinVar:

NM_001365951.3(KIF1B):c.4369A>G (p.Met1457Val)

Gene: KIF1B (kinesin family member 1B; plus strand). Cytogenetic location: 1p36.22.
Variant type: single nucleotide variant.
Coding change: c.4369A>G on transcript NM_001365951.3 (MANE Select); coding-DNA position 4369, A replaced by G.
Protein change: p.Met1457Val; replaces methionine 1457 with valine.
Molecular consequence: missense variant.
Genome position (GRCh38, 1-based): chr1:10,365,102, A>G. VCF-style: chr1-10365102-A-G. GRCh37 (hg19) VCF-style: chr1-10425160-A-G.
Other names: c.4369A>G, p.Met1457Val (NM_001365952.1); c.4231A>G, p.Met1411Val (NM_015074.3); short protein forms M1457V, M1411V.
Identifiers: ClinVar variation 2624417 (VCV002624417.2), dbSNP rs1638530880, ClinGen allele CA338319861.

ClinVar aggregate classification (germline): Uncertain significance (1 of 4 stars; one submission).

Allele frequency attached by ClinVar (database versions not stated): TOPMed 0.00001.

Submission:

Ambry Genetics
Classification: Uncertain significance. Last evaluated: 2023-09-07. Review status: criteria provided, single submitter. Criteria: Ambry Variant Classification Scheme 2023. Collection method: clinical testing. Allele origin: germline.
Comment: The p.M1411V variant (also known as c.4231A>G), located in coding exon 39 of the KIF1B gene, results from an A to G substitution at nucleotide position 4231. The methionine at codon 1411 is replaced by valine, an amino acid with highly similar properties. This amino acid position is conserved. In addition, the in silico prediction for this alteration is inconclusive. Since supporting evidence is limited at this time, the clinical significance of this alteration remains unclear.